The following is an entry in ClinVar:

NM_021964.3(ZNF148):c.31T>G (p.Phe11Val)

Gene: ZNF148 (zinc finger protein 148; minus strand). Cytogenetic location: 3q21.2.
Variant type: single nucleotide variant.
Coding change: c.31T>G on transcript NM_021964.3 (MANE Select); coding-DNA position 31, T replaced by G.
Protein change: p.Phe11Val; replaces phenylalanine 11 with valine.
Molecular consequence: missense variant.
Genome position (GRCh38, 1-based): chr3:125,313,610, A>C on the plus strand (T>G on the coding strand, the complement: ZNF148 is on the minus strand). VCF-style: chr3-125313610-A-C. GRCh37 (hg19) VCF-style: chr3-125032454-A-C.
Other names: c.31T>G, p.Phe11Val (NM_001348426.2, NM_001348427.2, NM_001348428.2 and 9 more transcripts); short protein forms F11V.
Identifiers: ClinVar variation 3901416 (VCV003901416.1).

ClinVar aggregate classification (germline): Uncertain significance (1 of 4 stars; one submission).

gnomAD v4.1: 12 of 1,613,570 alleles (0.00074%); highest among the groups gnomAD compares: Non-Finnish European, 0.001%; no homozygotes.

Submission:

GeneDx
Classification: Uncertain significance. Last evaluated: 2024-12-09. Review status: criteria provided, single submitter. Criteria: GeneDx Variant Classification Process June 2021. Collection method: clinical testing. Allele origin: germline. Affected: yes.
Comment: Not observed at significant frequency in large population cohorts (gnomAD); In silico analysis supports that this missense variant has a deleterious effect on protein structure/function; Has not been previously published as pathogenic or benign to our knowledge